The following is an entry in ClinVar:

ClinVar aggregate classification (germline): Likely benign. Review status: criteria provided, multiple submitters, no conflicts (2 of 4 stars). 2 submissions from 2 submitters: Likely benign (2). Last evaluated 2025-02-01.

Allele frequency attached by ClinVar (database versions not stated): gnomAD exomes 0.00007; ExAC 0.00008; 1000 Genomes Project 30x 0.00094.

Submissions (2):

CeGaT Center for Human Genetics Tuebingen
Classification: Likely benign. Last evaluated: 2025-02-01. Review status: criteria provided, single submitter. Criteria: CeGaT Center For Human Genetics Tuebingen Variant Classification Criteria Version 2. Collection method: clinical testing. Allele origin: germline. Affected: yes. Observed: 2 variant alleles.
Comment: FLG: BP4, BP7

Blueprint Genetics
Classification: Likely benign. Last evaluated: 2024-11-14. Review status: criteria provided, single submitter. Criteria: ACMG Guidelines, 2015. Collection method: clinical testing. Allele origin: germline.

NM_002016.2(FLG):c.1518T>C (p.His506=)

Genes: CCDST (cervical cancer associated DHX9 suppressive transcript; plus strand), FLG (filaggrin; minus strand). Cytogenetic location: 1q21.3.
Variant type: single nucleotide variant.
Coding change: c.1518T>C on transcript NM_002016.2 (MANE Select); coding-DNA position 1518, T replaced by C.
Protein change: p.His506=; no amino-acid change (histidine 506 retained).
Molecular consequence: synonymous variant.
Genome position (GRCh38, 1-based): chr1:152,313,368, A>G on the plus strand (T>C on the coding strand, the complement: FLG is on the minus strand). VCF-style: chr1-152313368-A-G. GRCh37 (hg19) VCF-style: chr1-152285844-A-G.
Identifiers: ClinVar variation 2639320 (VCV002639320.25), dbSNP rs146928262, ClinGen allele CA1107595.